The following is an entry in ClinVar:

ClinVar aggregate classification (germline): Likely benign (0 of 4 stars; one submission).

Conditions:
GLDN-related disorder. Also called: GLDN-related condition.

Allele frequency attached by ClinVar (database versions not stated): gnomAD 0.00003; TOPMed 0.00003; ExAC 0.00004.

Submission:

PreventionGenetics, part of Exact Sciences
Classification: Likely benign for GLDN-related condition. Last evaluated: 2020-06-01. Review status: no assertion criteria provided. Collection method: clinical testing. Allele origin: germline.
Comment: This variant is classified as likely benign based on ACMG/AMP sequence variant interpretation guidelines (Richards et al. 2015 PMID: 25741868, with internal and published modifications).

NM_181789.4(GLDN):c.363+7G>T

Gene: GLDN (gliomedin; plus strand). Cytogenetic location: 15q21.2.
Variant type: single nucleotide variant.
Coding change: c.363+7G>T on transcript NM_181789.4 (MANE Select); 7 bases into the intron after coding-DNA position 363, G replaced by T.
Molecular consequence: intron variant.
Genome position (GRCh38, 1-based): chr15:51,342,054, G>T. VCF-style: chr15-51342054-G-T. GRCh37 (hg19) VCF-style: chr15-51634251-G-T.
Identifiers: ClinVar variation 3036435 (VCV003036435.2), dbSNP rs749127618, ClinGen allele CA7560277.
Genomic context (GRCh38, chr15:51,342,054, plus strand): 5'-ATCCGCGCCGAGAGCCATGACATGCTGATGATGATGACCTACTCCATGGTGCCGGTAGGC[G>T]GGGTCTCTGTTCCCCGTGGCGCCCCGGCCAGGTGGGCGGCTGGGGGTGTGGGGCGAGGAC-3'